The following is an entry in ClinVar:

NM_001282531.3(ADNP):c.2400C>T (p.Ile800=)

Gene: ADNP (activity dependent neuroprotector homeobox; minus strand). Cytogenetic location: 20q13.13.
Variant type: single nucleotide variant.
Coding change: c.2400C>T on transcript NM_001282531.3 (MANE Select); coding-DNA position 2400, C replaced by T.
Protein change: p.Ile800=; no amino-acid change (isoleucine 800 retained).
Molecular consequence: synonymous variant.
Genome position (GRCh38, 1-based): chr20:50,892,314, G>A on the plus strand (C>T on the coding strand, the complement: ADNP is on the minus strand). VCF-style: chr20-50892314-G-A. GRCh37 (hg19) VCF-style: chr20-49508851-G-A.
Other names: c.2400C>T, p.Ile800= (NM_001282532.2, NM_001347511.2, NM_015339.5 and 1 more transcripts).
Identifiers: ClinVar variation 1790733 (VCV001790733.7), dbSNP rs757859799, ClinGen allele CA9908591.

ClinVar aggregate classification (germline): Conflicting classifications of pathogenicity. Review status: criteria provided, conflicting classifications (1 of 4 stars). 2 submissions from 2 submitters: Uncertain significance (1); Likely benign (1). Last evaluated 2022-04-06.

Conditions:
Inborn genetic diseases. Identifiers: MedGen C0950123, MeSH D030342.

Allele frequency attached by ClinVar (database versions not stated): gnomAD 0.00001; gnomAD exomes 0.00001; ExAC 0.00003; TOPMed 0.00010.

Submissions (2):

Labcorp Genetics (formerly Invitae), Labcorp
Classification: Uncertain significance. Last evaluated: 2022-04-06. Review status: criteria provided, single submitter. Criteria: Invitae Variant Classification Sherloc (09022015). Collection method: clinical testing. Allele origin: germline.
Comment: In summary, the available evidence is currently insufficient to determine the role of this variant in disease. Therefore, it has been classified as a Variant of Uncertain Significance. This variant has not been reported in the literature in individuals affected with ADNP-related conditions. This variant is present in population databases (rs757859799, gnomAD 0.02%). This sequence change affects codon 800 of the ADNP mRNA. It is a 'silent' change, meaning that it does not change the encoded amino acid sequence of the ADNP protein.

Ambry Genetics
Classification: Likely benign for Inborn genetic diseases. Last evaluated: 2017-09-28. Review status: criteria provided, single submitter. Criteria: Ambry Variant Classification Scheme 2023. Collection method: clinical testing. Allele origin: germline.